The following is an entry in ClinVar:

ClinVar aggregate classification (germline): Uncertain significance. Review status: criteria provided, multiple submitters, no conflicts (2 of 4 stars). 2 submissions from 2 submitters: Uncertain significance (2). Last evaluated 2025-06-17.

Conditions:
Hereditary cancer-predisposing syndrome. Also called: Tumor predisposition; Hereditary neoplastic syndrome; Neoplastic Syndromes, Hereditary; Hereditary Cancer Syndrome. Identifiers: Orphanet 140162, MedGen C0027672, MeSH D009386, MONDO:0015356.
Familial cancer of breast. Also called: Hereditary breast cancer; BREAST CANCER, FAMILIAL; hereditary breast carcinoma. Identifiers: Orphanet 227535, MedGen C0346153, MONDO:0016419, OMIM 114480. Disease mechanism: loss of function.

Submissions (2):

Labcorp Genetics (formerly Invitae), Labcorp
Classification: Uncertain significance for Familial cancer of breast. Last evaluated: 2025-06-17. Review status: criteria provided, single submitter. Criteria: Invitae Variant Classification Sherloc (09022015). Collection method: clinical testing. Allele origin: germline.
Comment: This sequence change replaces glycine, which is neutral and non-polar, with arginine, which is basic and polar, at codon 37 of the CHEK2 protein (p.Gly37Arg). This variant is not present in population databases (gnomAD no frequency). This variant has not been reported in the literature in individuals affected with CHEK2-related conditions. ClinVar contains an entry for this variant (Variation ID: 1424078). An algorithm developed to predict the effect of missense changes on protein structure and function (PolyPhen-2) suggests that this variant is likely to be disruptive. In summary, the available evidence is currently insufficient to determine the role of this variant in disease. Therefore, it has been classified as a Variant of Uncertain Significance.

Ambry Genetics
Classification: Uncertain significance for Hereditary cancer-predisposing syndrome. Last evaluated: 2025-01-15. Review status: criteria provided, single submitter. Criteria: Ambry Variant Classification Scheme 2023. Collection method: clinical testing. Allele origin: germline.
Comment: The p.G37R variant (also known as c.109G>C), located in coding exon 1 of the CHEK2 gene, results from a G to C substitution at nucleotide position 109. The glycine at codon 37 is replaced by arginine, an amino acid with dissimilar properties. This variant was reported as functionally-intermediate in a study assessing CHEK2-complementation through quantification of KAP1 phosphorylation and CHK2 autophosphorylation in human RPE1-CHEK2-knockout cells (Stolarova L et al. Clin Cancer Res, 2023 Aug;29:3037-3050). This amino acid position is not well conserved in available vertebrate species. In addition, the in silico prediction for this alteration is inconclusive. Based on the available evidence, the clinical significance of this variant remains unclear.

Literature cited by the submitters: PubMed 37449874 (cited by Ambry Genetics).

NM_007194.4(CHEK2):c.109G>C (p.Gly37Arg)

Gene: CHEK2 (checkpoint kinase 2; minus strand). Cytogenetic location: 22q12.1.
Variant type: single nucleotide variant.
Coding change: c.109G>C on transcript NM_007194.4 (MANE Select); coding-DNA position 109, G replaced by C.
Protein change: p.Gly37Arg; replaces glycine 37 with arginine.
Molecular consequence: missense variant.
Genome position (GRCh38, 1-based): chr22:28,734,613, C>G on the plus strand (G>C on the coding strand, the complement: CHEK2 is on the minus strand). VCF-style: chr22-28734613-C-G. GRCh37 (hg19) VCF-style: chr22-29130601-C-G.
Other names: c.109G>C, p.Gly37Arg (NM_001005735.3, NM_001349956.3, NM_145862.3); c.-669G>C (NM_001257387.3); short protein forms G37R.
Identifiers: ClinVar variation 1424078 (VCV001424078.12), dbSNP rs2054329987, ClinGen allele CA411091424.
Genomic context (GRCh38, chr22:28,734,613, plus strand): 5'-AGCTGGAGTGAGAGGACTGGCTGGAGTTTGGCATCGTGCTGGTAGAGGAGCTGGATATGC[C>G]CTGGGACTGTGAGGAGGAGCCTTGGGACTGGGTAACGCTGCCATGGGGCTGTGAACAGGC-3'
Protein context (NP_009125.1, residues 27-47): QSQGSSSQSQ[Gly37Arg]ISSSSTSTMP